The following is an entry in ClinVar:

NM_001005242.3(PKP2):c.686C>A (p.Thr229Asn)

Gene: PKP2 (plakophilin 2; minus strand). Cytogenetic location: 12p11.21.
Variant type: single nucleotide variant.
Coding change: c.686C>A on transcript NM_001005242.3 (MANE Select); coding-DNA position 686, C replaced by A.
Protein change: p.Thr229Asn; replaces threonine 229 with asparagine.
Molecular consequence: missense variant.
Genome position (GRCh38, 1-based): chr12:32,878,194, G>T on the plus strand (C>A on the coding strand, the complement: PKP2 is on the minus strand). VCF-style: chr12-32878194-G-T. GRCh37 (hg19) VCF-style: chr12-33031128-G-T.
Other names: c.686C>A, p.Thr229Asn (NM_001407155.1, NM_001407156.1, NM_001407157.1 and 2 more transcripts); c.359C>A, p.Thr120Asn (NM_001407158.1, NM_001407159.1, NM_001407160.1 and 1 more transcripts); short protein forms T229N, T120N.
Identifiers: ClinVar variation 3889648 (VCV003889648.1).

ClinVar aggregate classification (germline): Uncertain significance (1 of 4 stars; one submission).

Conditions:
Cardiovascular phenotype. Identifiers: MedGen CN230736.

Submission:

Ambry Genetics
Classification: Uncertain significance for Cardiovascular phenotype. Last evaluated: 2025-02-09. Review status: criteria provided, single submitter. Criteria: Ambry Variant Classification Scheme 2023. Collection method: clinical testing. Allele origin: germline.
Comment: The p.T229N variant (also known as c.686C>A), located in coding exon 3 of the PKP2 gene, results from a C to A substitution at nucleotide position 686. The threonine at codon 229 is replaced by asparagine, an amino acid with similar properties. This amino acid position is conserved. In addition, this alteration is predicted to be tolerated by in silico analysis. Based on the available evidence, the clinical significance of this variant remains unclear.